The following is an entry in ClinVar:

NM_016653.3(MAP3K20):c.1601G>A (p.Trp534Ter)

Genes: MAP3K20 (mitogen-activated protein kinase kinase kinase 20; plus strand), MAP3K20-AS1 (MAP3K20 antisense RNA 1; minus strand). Cytogenetic location: 2q31.1.
Variant type: single nucleotide variant.
Coding change: c.1601G>A on transcript NM_016653.3 (MANE Select); coding-DNA position 1601, G replaced by A.
Protein change: p.Trp534Ter; replaces tryptophan 534 with a stop codon.
Molecular consequence: nonsense.
Genome position (GRCh38, 1-based): chr2:173,263,794, G>A. VCF-style: chr2-173263794-G-A. GRCh37 (hg19) VCF-style: chr2-174128522-G-A.
Other names: short protein forms W534*.
Identifiers: ClinVar variation 2105146 (VCV002105146.4), dbSNP rs1273551046, ClinGen allele CA349316722.

ClinVar aggregate classification (germline): Pathogenic (1 of 4 stars; one submission).

Allele frequency attached by ClinVar (database versions not stated): gnomAD exomes 0.00001.
gnomAD v4.1: 11 of 1,613,318 alleles (0.00068%); highest among the groups gnomAD compares: Non-Finnish European, 0.00093%; no homozygotes.

Submission:

Labcorp Genetics (formerly Invitae), Labcorp
Classification: Pathogenic. Last evaluated: 2023-08-21. Review status: criteria provided, single submitter. Criteria: Invitae Variant Classification Sherloc (09022015). Collection method: clinical testing. Allele origin: germline.
Comment: This sequence change creates a premature translational stop signal (p.Trp534*) in the MAP3K20 gene. It is expected to result in an absent or disrupted protein product. Loss-of-function variants in MAP3K20 are known to be pathogenic (PMID: 27816943). This variant is not present in population databases (gnomAD no frequency). This variant has not been reported in the literature in individuals affected with MAP3K20-related conditions. ClinVar contains an entry for this variant (Variation ID: 2105146). For these reasons, this variant has been classified as Pathogenic.

Literature cited by the submitters: PubMed 27816943.